The following is an entry in ClinVar:

ClinVar aggregate classification (germline): Likely pathogenic (1 of 4 stars; one submission).

Conditions:
Hearing loss, autosomal dominant 82. Also called: Deafness, autosomal dominant 82. Identifiers: MedGen C5676948, MONDO:0030719, OMIM 619804.

Allele frequency attached by ClinVar (database versions not stated): gnomAD exomes below 0.00001; ESP Exome Variant Server 0.00008.
gnomAD v4.1: 4 of 1,612,848 alleles (0.00025%); highest among the groups gnomAD compares: Non-Finnish European, 0.00025%; no homozygotes.

Submission:

Laboratory of Prof. Karen Avraham, Tel Aviv University
Classification: Likely pathogenic for Hearing loss, autosomal dominant 82. Last evaluated: 2024-04-18. Review status: criteria provided, single submitter. Criteria: ACMG Guidelines, 2015. Collection method: research. Allele origin: germline. Affected: yes. Observed: 1 variant allele.
Comment: Predicted to cause damage by all prediction programs, Very low AF, and another hearing inpaired individual has been reported in ClinVar

DFNA82; high-tone HL, normal-moderately severe

NM_001001331.4(ATP2B2):c.3430G>A (p.Val1144Met)

Gene: ATP2B2 (ATPase plasma membrane Ca2+ transporting 2; minus strand). Cytogenetic location: 3p25.3.
Variant type: single nucleotide variant.
Coding change: c.3430G>A on transcript NM_001001331.4 (MANE Select); coding-DNA position 3430, G replaced by A.
Protein change: p.Val1144Met; replaces valine 1144 with methionine.
Molecular consequence: missense variant. On other transcripts: 3 prime UTR variant (1).
Genome position (GRCh38, 1-based): chr3:10,329,116, C>T on the plus strand (G>A on the coding strand, the complement: ATP2B2 is on the minus strand). VCF-style: chr3-10329116-C-T. GRCh37 (hg19) VCF-style: chr3-10370800-C-T.
Other names: c.*57G>A (NM_001330611.3); c.3295G>A, p.Val1099Met (NM_001353564.1, NM_001683.5); c.3467G>A, p.Arg1156His (NM_001363862.1); short protein forms R1156H, V1099M, V1144M.
Identifiers: ClinVar variation 3250383 (VCV003250383.1), dbSNP rs373130153.